The following is an entry in ClinVar:

ClinVar aggregate classification (germline): Conflicting classifications of pathogenicity. Review status: criteria provided, conflicting classifications (1 of 4 stars). 2 submissions from 2 submitters: Uncertain significance (1); Likely benign (1). Last evaluated 2021-02-04.

Conditions:
Hereditary cancer-predisposing syndrome. Also called: Neoplastic Syndromes, Hereditary; Hereditary neoplastic syndrome; Hereditary Cancer Syndrome; Tumor predisposition. Identifiers: Orphanet 140162, MedGen C0027672, MeSH D009386, MONDO:0015356.
Microcephaly, normal intelligence and immunodeficiency (NBS). Also called: Nijmegen breakage syndrome; IMMUNODEFICIENCY, MICROCEPHALY, AND CHROMOSOMAL INSTABILITY; Immunodeficiency, microcephaly with normal intelligence; Microcephaly with normal intelligence immunodeficiency and lymphoreticular malignancies; Nonsyndromal microcephaly autosomal recessive with normal intelligence; Seemanova syndrome 2. Identifiers: Orphanet 647, MedGen C0398791, MONDO:0009623, OMIM 251260.

Allele frequency attached by ClinVar (database versions not stated): gnomAD exomes below 0.00001; TOPMed below 0.00001; gnomAD 0.00001.
gnomAD v4.1: 2 of 1,612,102 alleles (0.00012%); highest among the groups gnomAD compares: Non-Finnish European, 0.00017%; no homozygotes.

Submissions (2):

Ambry Genetics
Classification: Likely benign for Hereditary cancer-predisposing syndrome. Last evaluated: 2021-02-04. Review status: criteria provided, single submitter. Criteria: Ambry Variant Classification Scheme 2023. Collection method: clinical testing. Allele origin: germline.

Labcorp Genetics (formerly Invitae), Labcorp
Classification: Uncertain significance for Microcephaly, normal intelligence and immunodeficiency. Last evaluated: 2019-08-03. Review status: criteria provided, single submitter. Criteria: Invitae Variant Classification Sherloc (09022015). Collection method: clinical testing. Allele origin: germline.
Comment: In summary, the available evidence is currently insufficient to determine the role of this variant in disease. Therefore, it has been classified as a Variant of Uncertain Significance. Algorithms developed to predict the effect of missense changes on protein structure and function output the following: SIFT: "Tolerated"; PolyPhen-2: "Benign"; Align-GVGD: "Class C0". The valine amino acid residue is found in multiple mammalian species, suggesting that this missense change does not adversely affect protein function. These predictions have not been confirmed by published functional studies and their clinical significance is uncertain. This variant has not been reported in the literature in individuals with NBN-related conditions. This variant is not present in population databases (ExAC no frequency). This sequence change replaces isoleucine with valine at codon 108 of the NBN protein (p.Ile108Val). The isoleucine residue is weakly conserved and there is a small physicochemical difference between isoleucine and valine.

NM_002485.5(NBN):c.322A>G (p.Ile108Val)

Gene: NBN (nibrin; minus strand). Cytogenetic location: 8q21.3.
Variant type: single nucleotide variant.
Coding change: c.322A>G on transcript NM_002485.5 (MANE Select); coding-DNA position 322, A replaced by G.
Protein change: p.Ile108Val; replaces isoleucine 108 with valine.
Molecular consequence: missense variant.
Genome position (GRCh38, 1-based): chr8:89,980,892, T>C on the plus strand (A>G on the coding strand, the complement: NBN is on the minus strand). VCF-style: chr8-89980892-T-C. GRCh37 (hg19) VCF-style: chr8-90993120-T-C.
Other names: c.76A>G, p.Ile26Val (NM_001024688.3); short protein forms I108V, I26V.
Identifiers: ClinVar variation 943232 (VCV000943232.12), dbSNP rs1286492027, ClinGen allele CA371662166.
Genomic context (GRCh38, chr8:89,980,892, plus strand): 5'-AAGCAGTTTTCCCAGAGACATCTAAACAAGAAGAGCATGCAACCAAAGGCTCATACTCTA[T>C]TCTGTAAATGAGAATAAGTTAAATAAAGTCATAGTATCAGAGTTGCAGAGATGGCAATTT-3'
Protein context (NP_002476.2, residues 98-118): TFGVFGSKFR[Ile108Val]EYEPLVACSS